The following is an entry in ClinVar:

NM_001101426.4(CRPPA):c.866T>G (p.Met289Arg)

Gene: CRPPA (CDP-L-ribitol pyrophosphorylase A; minus strand). Cytogenetic location: 7p21.2.
Variant type: single nucleotide variant.
Coding change: c.866T>G on transcript NM_001101426.4 (MANE Select); coding-DNA position 866, T replaced by G.
Protein change: p.Met289Arg; replaces methionine 289 with arginine.
Molecular consequence: missense variant. On other transcripts: non-coding transcript variant (1).
Genome position (GRCh38, 1-based): chr7:16,278,196, A>C on the plus strand (T>G on the coding strand, the complement: CRPPA is on the minus strand). VCF-style: chr7-16278196-A-C. GRCh37 (hg19) VCF-style: chr7-16317821-A-C.
Other names: c.716T>G, p.Met239Arg (NM_001101417.4); c.761T>G, p.Met254Arg (NM_001368197.1); short protein forms M239R, M254R, M289R.
Identifiers: ClinVar variation 2062431 (VCV002062431.4), dbSNP rs774763465, ClinGen allele CA367001357.

ClinVar aggregate classification (germline): Uncertain significance (1 of 4 stars; one submission).

Conditions:
Autosomal recessive limb-girdle muscular dystrophy type 2U. Also called: Muscular dystrophy-dystroglycanopathy (limb-girdle), type c, 7; MUSCULAR DYSTROPHY, LIMB-GIRDLE, TYPE 2U. Identifiers: Orphanet 352479, MedGen C5190987, MONDO:0014474, OMIM 616052.
Muscular dystrophy-dystroglycanopathy (congenital with brain and eye anomalies), type A, 7. Also called: WALKER-WARBURG SYNDROME OR MUSCLE-EYE-BRAIN DISEASE, ISPD-RELATED; Congenital muscular dystrophy-dystroglycanopathy with brain and eye anomalies, type A7. Identifiers: Orphanet 899, MedGen C3553330, MONDO:0013835, OMIM 614643.

Submission:

Labcorp Genetics (formerly Invitae), Labcorp
Classification: Uncertain significance for Muscular dystrophy-dystroglycanopathy (congenital with brain and eye anomalies), type A, 7; Autosomal recessive limb-girdle muscular dystrophy type 2U. Last evaluated: 2024-10-21. Review status: criteria provided, single submitter. Criteria: Invitae Variant Classification Sherloc (09022015). Collection method: clinical testing. Allele origin: germline.
Comment: This sequence change replaces methionine, which is neutral and non-polar, with arginine, which is basic and polar, at codon 289 of the ISPD protein (p.Met289Arg). This variant is not present in population databases (gnomAD no frequency). This variant has not been reported in the literature in individuals affected with ISPD-related conditions. ClinVar contains an entry for this variant (Variation ID: 2062431). An algorithm developed to predict the effect of missense changes on protein structure and function (PolyPhen-2) suggests that this variant is likely to be tolerated. In summary, the available evidence is currently insufficient to determine the role of this variant in disease. Therefore, it has been classified as a Variant of Uncertain Significance.